The following is an entry in ClinVar:

NM_018191.4(RCBTB1):c.973C>T (p.His325Tyr)

Gene: RCBTB1 (RCC1 and BTB domain containing protein 1; minus strand). Cytogenetic location: 13q14.2.
Variant type: single nucleotide variant.
Coding change: c.973C>T on transcript NM_018191.4 (MANE Select); coding-DNA position 973, C replaced by T.
Protein change: p.His325Tyr; replaces histidine 325 with tyrosine.
Molecular consequence: missense variant. On other transcripts: non-coding transcript variant (2).
Genome position (GRCh38, 1-based): chr13:49,549,530, G>A on the plus strand (C>T on the coding strand, the complement: RCBTB1 is on the minus strand). VCF-style: chr13-49549530-G-A. GRCh37 (hg19) VCF-style: chr13-50123666-G-A.
Other names: RCBTB1, HIS325TYR (rs200826424); c.973C>T, p.His325Tyr (NM_001352500.2, NM_001352501.2, NM_001352502.2 and 3 more transcripts); c.394C>T, p.His132Tyr (NM_001352506.2); short protein forms H325Y, H132Y.
Identifiers: ClinVar variation 253018 (VCV000253018.10), dbSNP rs200826424, ClinGen allele CA6982724.

ClinVar aggregate classification (germline): Likely pathogenic. Review status: criteria provided, multiple submitters, no conflicts (2 of 4 stars). 5 submissions from 5 submitters: Likely pathogenic (2). 3 of the submissions do not count toward it. Last evaluated 2026-02-01.

Conditions:
RETINAL DYSTROPHY WITH EXTRAOCULAR ANOMALIES.
RCBTB1-related retinopathy. Also called: Retinal dystrophy with or without extraocular anomalies. Identifiers: MedGen C4310680, MONDO:0014955, OMIM 617175.
RCBTB1-related disorder. Also called: RCBTB1-related condition.
Retinitis pigmentosa (RP). Identifiers: Orphanet 791, MedGen C0035334, MeSH D012174, MONDO:0019200, OMIM 268000. Inheritance: Autosomal dominant, autosomal recessive and X linked inheritance.

Allele frequency attached by ClinVar (database versions not stated): ExAC 0.00009; gnomAD exomes 0.00009 and 0.00014; TOPMed 0.00010; ESP Exome Variant Server 0.00015; gnomAD 0.00015 and 0.00016.
gnomAD v4.1: 151 of 1,613,934 alleles (0.0094%); highest among the groups gnomAD compares: Non-Finnish European, 0.0084%; no homozygotes.

Submissions (5):

Labcorp Genetics (formerly Invitae), Labcorp
Classification: Likely pathogenic. Last evaluated: 2026-02-01. Review status: criteria provided, single submitter. Criteria: Invitae Variant Classification Sherloc (09022015). Collection method: clinical testing. Allele origin: germline.
Comment: This sequence change replaces histidine, which is basic and polar, with tyrosine, which is neutral and polar, at codon 325 of the RCBTB1 protein (p.His325Tyr). This variant is present in population databases (rs200826424, gnomAD 0.2%). This missense change has been observed in individual(s) with clinical features of retinal dystrophy (PMID: 27486781). It has also been observed to segregate with disease in related individuals. ClinVar contains an entry for this variant (Variation ID: 253018). Invitae Evidence Modeling of protein sequence and biophysical properties (such as structural, functional, and spatial information, amino acid conservation, physicochemical variation, residue mobility, and thermodynamic stability) indicates that this missense variant is not expected to disrupt RCBTB1 protein function with a negative predictive value of 80%. In summary, the currently available evidence indicates that the variant is pathogenic, but additional data are needed to prove that conclusively. Therefore, this variant has been classified as Likely Pathogenic.

Blueprint Genetics
Classification: Likely pathogenic for RCBTB1-related disorders. Last evaluated: 2024-11-25. Review status: criteria provided, single submitter. Criteria: ACMG Guidelines, 2015. Collection method: clinical testing. Allele origin: germline. Affected: yes. Observed: 5 variant alleles.

PreventionGenetics, part of Exact Sciences
Classification: Likely pathogenic for RCBTB1-related condition. Last evaluated: 2024-09-19. Review status: no assertion criteria provided. Collection method: clinical testing. Allele origin: germline. Not counted in ClinVar's aggregate classification.
Comment: The RCBTB1 c.973C>T variant is predicted to result in the amino acid substitution p.His325Tyr. This variant was reported to segregate with retinal dystrophy within a large family consistent with autosomal recessive inheritance (Coppieters et al 2016. PubMed ID: 27486781, Family F1). This variant is reported in 0.15% of alleles in individuals of Ashkenazi Jewish descent in gnomAD. This variant is interpreted as likely pathogenic.

OMIM
Classification: Pathogenic for RETINAL DYSTROPHY WITH EXTRAOCULAR ANOMALIES. Last evaluated: 2016-11-01. Review status: no assertion criteria provided. Collection method: literature only. Allele origin: germline. Not counted in ClinVar's aggregate classification.

Center for Medical Genetics Ghent, University of Ghent
Classification: Likely pathogenic for Retinitis pigmentosa. Review status: no assertion criteria provided. Collection method: research. Allele origin: germline. Affected: yes. Not counted in ClinVar's aggregate classification.

Literature cited by the submitters: PubMed 27486781 (cited by 3 submitters).